The following is an entry in ClinVar:

NM_002691.4(POLD1):c.1486G>A (p.Asp496Asn)

Gene: POLD1 (DNA polymerase delta 1, catalytic subunit; plus strand). Cytogenetic location: 19q13.33.
Variant type: single nucleotide variant.
Coding change: c.1486G>A on transcript NM_002691.4 (MANE Select); coding-DNA position 1486, G replaced by A.
Protein change: p.Asp496Asn; replaces aspartic acid 496 with asparagine.
Molecular consequence: missense variant. On other transcripts: non-coding transcript variant (1).
Genome position (GRCh38, 1-based): chr19:50,406,509, G>A. VCF-style: chr19-50406509-G-A. GRCh37 (hg19) VCF-style: chr19-50909766-G-A.
Other names: c.1486G>A, p.Asp496Asn (NM_001256849.1, NM_001308632.1); short protein forms D496N.
Identifiers: ClinVar variation 664056 (VCV000664056.16), dbSNP rs777809352, ClinGen allele CA406980313.

ClinVar aggregate classification (germline): Uncertain significance. Review status: criteria provided, multiple submitters, no conflicts (2 of 4 stars). 5 submissions from 5 submitters: Uncertain significance (5). Last evaluated 2025-07-07.

Conditions:
POLD1-related polyposis and colorectal cancer syndrome (CRCS10). Also called: Colorectal cancer, susceptibility to, 10; Colorectal cancer 10; COLORECTAL CANCER, SUSCEPTIBILITY TO, ON CHROMOSOME 19q. Identifiers: Orphanet 220460, MedGen C2675481, MONDO:0012953, OMIM 612591.
Hereditary cancer-predisposing syndrome. Also called: Hereditary neoplastic syndrome; Tumor predisposition; Hereditary Cancer Syndrome; Neoplastic Syndromes, Hereditary. Identifiers: Orphanet 140162, MedGen C0027672, MeSH D009386, MONDO:0015356.

Allele frequency attached by ClinVar (database versions not stated): TOPMed 0.00001.

Submissions (5):

Labcorp Genetics (formerly Invitae), Labcorp
Classification: Uncertain significance for POLD1-related polyposis and colorectal cancer syndrome. Last evaluated: 2025-07-07. Review status: criteria provided, single submitter. Criteria: Invitae Variant Classification Sherloc (09022015). Collection method: clinical testing. Allele origin: germline.
Comment: This sequence change replaces aspartic acid, which is acidic and polar, with asparagine, which is neutral and polar, at codon 496 of the POLD1 protein (p.Asp496Asn). This variant is not present in population databases (gnomAD no frequency). This variant has not been reported in the literature in individuals affected with POLD1-related conditions. ClinVar contains an entry for this variant (Variation ID: 664056). Invitae Evidence Modeling of protein sequence and biophysical properties (such as structural, functional, and spatial information, amino acid conservation, physicochemical variation, residue mobility, and thermodynamic stability) indicates that this missense variant is not expected to disrupt POLD1 protein function with a negative predictive value of 80%. In summary, the available evidence is currently insufficient to determine the role of this variant in disease. Therefore, it has been classified as a Variant of Uncertain Significance.

Ambry Genetics
Classification: Uncertain significance for Hereditary cancer-predisposing syndrome. Last evaluated: 2024-05-02. Review status: criteria provided, single submitter. Criteria: Ambry Variant Classification Scheme 2023. Collection method: clinical testing. Allele origin: germline.
Comment: The p.D496N variant (also known as c.1486G>A), located in coding exon 11 of the POLD1 gene, results from a G to A substitution at nucleotide position 1486. The aspartic acid at codon 496 is replaced by asparagine, an amino acid with highly similar properties. This amino acid position is highly conserved in available vertebrate species. In addition, this alteration is predicted to be tolerated by in silico analysis. Since supporting evidence is limited at this time, the clinical significance of this alteration remains unclear.

Baylor Genetics
Classification: Uncertain significance for POLD1-related polyposis and colorectal cancer syndrome. Last evaluated: 2023-07-26. Review status: criteria provided, single submitter. Criteria: ACMG Guidelines, 2015. Collection method: clinical testing. Allele origin: unknown.

GeneDx
Classification: Uncertain significance. Last evaluated: 2022-10-03. Review status: criteria provided, single submitter. Criteria: GeneDx Variant Classification Process June 2021. Collection method: clinical testing. Allele origin: germline. Affected: yes.
Comment: Not observed at significant frequency in large population cohorts (gnomAD); In silico analysis supports that this missense variant has a deleterious effect on protein structure/function; Has not been previously published as pathogenic or benign to our knowledge; This variant is associated with the following publications: (PMID: 20951805)

Blueprint Genetics
Classification: Uncertain significance. Last evaluated: 2021-04-19. Review status: criteria provided, single submitter. Criteria: ACMG Guidelines, 2015. Collection method: clinical testing. Allele origin: germline.